The following is an entry in ClinVar:

NM_000165.5(GJA1):c.758C>T (p.Ala253Val)

Gene: GJA1 (gap junction protein alpha 1; plus strand). Cytogenetic location: 6q22.31.
Variant type: single nucleotide variant.
Coding change: c.758C>T on transcript NM_000165.5 (MANE Select); coding-DNA position 758, C replaced by T.
Protein change: p.Ala253Val; replaces alanine 253 with valine.
Molecular consequence: missense variant.
Genome position (GRCh38, 1-based): chr6:121,447,605, C>T. VCF-style: chr6-121447605-C-T. GRCh37 (hg19) VCF-style: chr6-121768751-C-T.
Other names: p.A253V:GCG>GTG; short protein forms A253V.
Identifiers: ClinVar variation 137483 (VCV000137483.50), dbSNP rs17653265, ClinGen allele CA291091.

ClinVar aggregate classification (germline): Benign/Likely benign. Review status: criteria provided, multiple submitters, no conflicts (2 of 4 stars). 8 submissions from 8 submitters: Benign (3); Likely benign (3). 2 of the submissions do not count toward it. Last evaluated 2026-01-31.

Conditions:
Oculodentodigital dysplasia (ODDD). Also called: ODD SYNDROME; Oculodentodigital syndrome. Identifiers: Orphanet 2710, MedGen C0812437, MONDO:0008111, OMIM 164200.
Oculodentodigital dysplasia, autosomal recessive. Also called: OCULODENTOOSSEOUS DYSPLASIA, AUTOSOMAL RECESSIVE; ODDD, AUTOSOMAL RECESSIVE; ODOD, AUTOSOMAL RECESSIVE. Identifiers: Orphanet 2710, MedGen C2749477, MONDO:0009768, OMIM 257850.

Allele frequency attached by ClinVar (database versions not stated): 1000 Genomes Project 0.00300; 1000 Genomes Project 30x 0.00312; ExAC 0.00784; gnomAD exomes 0.00809 and 0.01361; gnomAD 0.00915 and 0.00930; TOPMed 0.01010; ESP Exome Variant Server 0.01123.
gnomAD v4.1: 21,279 of 1,613,562 alleles (1.3%); highest among the groups gnomAD compares: Non-Finnish European, 1.6%; 209 homozygotes.

Submissions (8):

Labcorp Genetics (formerly Invitae), Labcorp
Classification: Benign for Oculodentodigital dysplasia, autosomal recessive. Last evaluated: 2026-01-31. Review status: criteria provided, single submitter. Criteria: Invitae Variant Classification Sherloc (09022015). Collection method: clinical testing. Allele origin: germline.

CeGaT Center for Human Genetics Tuebingen
Classification: Likely benign. Last evaluated: 2024-01-01. Review status: criteria provided, single submitter. Criteria: CeGaT Center For Human Genetics Tuebingen Variant Classification Criteria Version 2. Collection method: clinical testing. Allele origin: germline. Affected: yes. Observed: 7 variant alleles.
Comment: GJA1: PM5, BS1, BS2

Illumina Laboratory Services, Illumina
Classification: Likely benign for Oculodentodigital dysplasia. Last evaluated: 2017-04-27. Review status: criteria provided, single submitter. Criteria: ICSL Variant Classification Criteria 13 December 2019. Collection method: clinical testing. Allele origin: germline.
Comment: This variant was observed as part of a predisposition screen in an ostensibly healthy population. A literature search was performed for the gene, cDNA change, and amino acid change (where applicable). Publications were found based on this search. The evidence from the literature, in combination with allele frequency data from public databases where available, was sufficient to determine this variant is unlikely to cause disease. Therefore, this variant is classified as likely benign.

GeneDx
Classification: Benign. Last evaluated: 2014-05-16. Review status: criteria provided, single submitter. Criteria: GeneDx Variant Classification (06012015). Collection method: clinical testing. Allele origin: germline. Affected: yes.
Comment: This variant is considered likely benign or benign based on one or more of the following criteria: it is a conservative change, it occurs at a poorly conserved position in the protein, it is predicted to be benign by multiple in silico algorithms, and/or has population frequency not consistent with disease.

Breakthrough Genomics
Classification: Likely benign. Review status: criteria provided, single submitter. Criteria: ACMG Guidelines, 2015. Collection method: not provided. Allele origin: germline. Inheritance: Autosomal recessive inheritance. Affected: yes.

PreventionGenetics, part of Exact Sciences
Classification: Benign. Review status: criteria provided, single submitter. Criteria: ACMG Guidelines, 2015. Collection method: clinical testing. Allele origin: germline.

Clinical Genetics, Academic Medical Center
Classification: Benign. Review status: no assertion criteria provided. Collection method: clinical testing. Allele origin: germline. Affected: yes. Study: VKGL Data-share Consensus. Not counted in ClinVar's aggregate classification.

Laboratory of Diagnostic Genome Analysis, Leiden University Medical Center (LUMC)
Classification: Likely benign. Review status: no assertion criteria provided. Collection method: clinical testing. Allele origin: germline. Affected: yes. Study: VKGL Data-share Consensus. Not counted in ClinVar's aggregate classification.

Literature cited by the submitters: PubMed 19057520 (cited by Illumina Laboratory Services, Illumina).